The following continues an entry in ClinVar:

NM_000492.4(CFTR):c.509G>A (p.Arg170His)

Gene: CFTR. ClinVar aggregate classification (germline): Conflicting classifications of pathogenicity. Pathogenic (2); Likely pathogenic (1); Uncertain significance (16); Likely benign (3).

Submissions 6 to 13 of 26:

Quest Diagnostics Nichols Institute San Juan Capistrano
Classification: Uncertain significance. Last evaluated: 2025-07-17. Review status: criteria provided, single submitter. Criteria: Quest Diagnostics criteria. Collection method: clinical testing. Allele origin: unknown.
Comment: The CFTR c.509G>A (p.Arg170His) variant has been reported in the published literature in individuals with Cystic Fibrosis (PMIDs: 32143663 (2020), 33577586 (2021), 23276700 (2013), and 21520337 (2011)). This variant is also reported in individuals with Cystic Fibrosis Related Disorder (CFRD) including CBAVD (congenital absence of the vas deferens) (PMIDs: 17329263 (2007) and 16189704 (2005)), pancreatitis (PMIDs: 36264955 (2022), 27171515 (2016), 25033378 (2014), and 16189704 (2005)), bronchiectasis (PMID: 35753512 (2022)), and azoospermia (PMID: 20021716 (2009)). In addition, this variant has been reported as having a conflicting effect on protein function (PMIDs: 38388235 (2024), 29805046 (2018), 25033378 (2014)). The frequency of this variant in the general population (Genome Aggregation Database) is uninformative in the assessment of its pathogenicity. Analysis of this variant using bioinformatics tools for the prediction of the effect of amino acid changes on protein structure and function yielded predictions that this variant is damaging. Based on the available information, we are unable to determine the clinical significance of this variant.

ARUP Laboratories, Molecular Genetics and Genomics, ARUP Laboratories
Classification: Pathogenic for Cystic fibrosis; Bronchiectasis with or without elevated sweat chloride 1; Hereditary pancreatitis; Congenital bilateral aplasia of vas deferens from CFTR mutation. Last evaluated: 2025-03-20. Review status: criteria provided, single submitter. Criteria: ARUP Molecular Germline Variant Investigation Process 2024. Collection method: clinical testing. Allele origin: germline.
Comment: The CFTR c.509G>A; p.Arg170His variant (rs1800079) is reported in the literature in the compound heterozygous state in multiple individuals affected with chronic pancreatitis or other CFTR-related disorders (Gallati 2009, LaRusch 2014, Palermo 2016, Steiner 2011, Wei 2006). Functional analyses of the variant show a slight increase in exon 5 skipping (Aissat 2013), but mature protein expression levels and chloride transport activity similar to wildtype (LaRusch 2014). However, the variant protein exhibits impaired bicarbonate transport, which is also observed for other CFTR variants enriched in pancreatitis patients (LaRusch 2014). This variant is reported in ClinVar (Variation ID: 53983), and is found in the Ashkenazi Jewish population with an allele frequency of 0.72% (75/10358 alleles) in the Genome Aggregation Database. The arginine at residue 170 is highly conserved, and computational analyses predict that this variant is deleterious (REVEL: 0.829). Additionally, other variants at this codon (c.508C>T; p.Arg170Cys, c.508C>G; p.Arg170Gly) have been reported in individuals with CFTR-related diseases (Sharma 2014, see link to cystic fibrosis mutation database). Based on available information, while the p.Arg170His variant is not predicted to result in cystic fibrosis, it is considered to be mildly pathogenic for CFTR-related disorders. References: Link to cystic fibrosis mutation database: Aissat A et al. Combined computational-experimental analyses of CFTR exon strength uncover predictability of exon-skipping level. Hum Mutat. 2013 34(6):873-81. PMID: 23420618. Gallati S et al. Cystic fibrosis transmembrane conductance regulator mutations in azoospermic and oligospermic men and their partners. Reprod Biomed Online. 2009 19(5):685-94. PMID: 20021716. LaRusch J et al. Mechanisms of CFTR functional variants that impair regulated bicarbonate permeation and increase risk for pancreatitis but not for cystic fibrosis. PLoS Genet. 2014 10(7):e1004376. PMID: 25033378. Palermo JJ et al. Genophenotypic Analysis of Pediatric Patients With Acute Recurrent and Chronic Pancreatitis. Pancreas. 2016 Oct;45(9):1347-52. PMID: 27171515. Sharma H et al. Heterogeneous spectrum of mutations in CFTR gene from Indian patients with congenital absence of the vas deferens and their association with cystic fibrosis genetic modifiers. Mol Hum Reprod. 2014 Sep;20(9):827-35. PMID: 24958810. Steiner B et al. Common CFTR haplotypes and susceptibility to chronic pancreatitis and congenital bilateral absence of the vas deferens. Hum Mutat. 2011 32(8):912-20. PMID: 21520337. Wei S et al. Cystic Fibrosis testing among Arab-Americans. Genet Med. 2006 8(4):255-8. PMID: 16617247.

Mendelics
Classification: Likely benign for Cystic fibrosis. Last evaluated: 2025-03-19. Review status: criteria provided, single submitter. Criteria: Mendelics Assertion Criteria 2017. Collection method: clinical testing. Allele origin: unknown. Affected: yes.
Comment: Variant NM_000492.4(CFTR):c.509G>A (p.Arg170His) found frequent in Mendelics internal databases. GnomAD 4.1 frequecny 0.0005139 with no homozygotes. In Silico Predictors: pathogenic. However PMID 29805046 lists this variant as not pathogenic.

Ambry Genetics
Classification: Uncertain significance for Cystic fibrosis. Last evaluated: 2025-02-18. Review status: criteria provided, single submitter. Criteria: Ambry Variant Classification Scheme 2023. Collection method: clinical testing. Allele origin: germline.
Comment: The p.R170H variant (also known as c.509G>A), located in coding exon 5 of the CFTR gene, results from a G to A substitution at nucleotide position 509. The arginine at codon 170 is replaced by histidine, an amino acid with highly similar properties. This alteration was identified in 9 children with a CF-causing mutation confirmed in trans; none of the children had elevated sweat chloride levels, pancreatic insufficiency, or Pseudonomas aeruginosa colonization (Salinas DB et al. PLoS One, 2016 May;11:e0155624). However, this variant has also been detected in conjunction with a CFTR pathogenic mutation in multiple individuals with intermediate sweat chloride levels and/or CFTR-related disorders, including chronic pancreatitis and congenital bilateral absence of the vas deferens (Wei S et al. Genet. Med., 2006 Apr;8:255-8; McGinniss MJ et al. Hum Genet, 2005 Dec;118:331-8; Taulan M et al. BMC Med Genet, 2007 Apr;8:22; Ambry internal data). In an in vitro study, this variant demonstrated 150% chloride channel function, compared to wild type (Raraigh KS et al. Am J Hum Genet, 2018 06;102:1062-1077). In a separate study, the variant showed normal chloride function, but reduced bicarbonate permeability and conductance (LaRusch J et al. PLoS Genet, 2014 Jul;10:e1004376). This amino acid position is highly conserved in available vertebrate species. In addition, this alteration is predicted to be deleterious by in silico analysis. Based on available evidence to date, this variant is unlikely to be causative of classic cystic fibrosis; however, its contribution to the development of a CFTR-related disorder is uncertain. This alteration is thus classified as a variant of unknown significance.

Blueprint Genetics
Classification: Uncertain significance. Last evaluated: 2024-11-06. Review status: criteria provided, single submitter. Criteria: ACMG Guidelines, 2015. Collection method: clinical testing. Allele origin: germline.

Institute of Human Genetics, University of Leipzig Medical Center
Classification: Uncertain significance for Cystic fibrosis. Last evaluated: 2023-08-03. Review status: criteria provided, single submitter. Criteria: ACMG Guidelines, 2015. Collection method: curation. Allele origin: unknown. Affected: yes. Observed: 1 variant allele.
Comment: The variant was classified in the context of a project re-classifying variants in the German Cystic Fibrosis Registry (Muko.e.V.). The patient has not been seen or tested by our laboratory. Clinical diagnosis was documented in the Registry. Criteria applied: PM3, PS3_SUP, PM5_STR, PP3, BP2, BS3_SUP

Institute of Human Genetics, University of Leipzig Medical Center
Classification: Likely pathogenic for Bronchiectasis with or without elevated sweat chloride 1. Last evaluated: 2023-07-18. Review status: criteria provided, single submitter. Criteria: ACMG Guidelines, 2015. Collection method: clinical testing. Allele origin: unknown. Inheritance: Autosomal dominant inheritance. Affected: yes.
Comment: Criteria applied: PM5_STR,PM3,PS3_SUP,PP3,BP2

Department of Pathology and Laboratory Medicine, Sinai Health System
Classification: Uncertain significance for cystic fibrosis. Last evaluated: 2023-06-28. Review status: criteria provided, single submitter. Criteria: ACMG Guidelines, 2015. Collection method: research. Allele origin: germline.